The following is an entry in ClinVar:

NM_007214.5(SEC63):c.416A>G (p.Glu139Gly)

Gene: SEC63 (SEC63 protein translocation regulator; minus strand). Cytogenetic location: 6q21.
Variant type: single nucleotide variant.
Coding change: c.416A>G on transcript NM_007214.5 (MANE Select); coding-DNA position 416, A replaced by G.
Protein change: p.Glu139Gly; replaces glutamic acid 139 with glycine.
Molecular consequence: missense variant.
Genome position (GRCh38, 1-based): chr6:107,921,833, T>C on the plus strand (A>G on the coding strand, the complement: SEC63 is on the minus strand). VCF-style: chr6-107921833-T-C. GRCh37 (hg19) VCF-style: chr6-108243037-T-C.
Other names: short protein forms E139G.
Identifiers: ClinVar variation 2875762 (VCV002875762.3), dbSNP rs2481899211, ClinGen allele CA365187830.

ClinVar aggregate classification (germline): Uncertain significance (1 of 4 stars; one submission).

Allele frequency attached by ClinVar (database versions not stated): gnomAD exomes below 0.00001.
gnomAD v4.1: 1 of 1,611,336 alleles (0.000062%); highest among the groups gnomAD compares: Non-Finnish European, 0.000085%; no homozygotes.

Submission:

Labcorp Genetics (formerly Invitae), Labcorp
Classification: Uncertain significance. Last evaluated: 2023-03-14. Review status: criteria provided, single submitter. Criteria: Invitae Variant Classification Sherloc (09022015). Collection method: clinical testing. Allele origin: germline.
Comment: This sequence change replaces glutamic acid, which is acidic and polar, with glycine, which is neutral and non-polar, at codon 139 of the SEC63 protein (p.Glu139Gly). This variant is not present in population databases (gnomAD no frequency). This variant has not been reported in the literature in individuals affected with SEC63-related conditions. An algorithm developed to predict the effect of missense changes on protein structure and function (PolyPhen-2) suggests that this variant is likely to be tolerated. In summary, the available evidence is currently insufficient to determine the role of this variant in disease. Therefore, it has been classified as a Variant of Uncertain Significance.